The following is an entry in ClinVar:

NM_004982.4(KCNJ8):c.332A>G (p.Glu111Gly)

Genes: KCNJ8-AS1 (KCNJ8 antisense RNA 1; plus strand), KCNJ8 (potassium inwardly rectifying channel subfamily J member 8; minus strand). Cytogenetic location: 12p12.1.
Variant type: single nucleotide variant.
Coding change: c.332A>G on transcript NM_004982.4 (MANE Select); coding-DNA position 332, A replaced by G.
Protein change: p.Glu111Gly; replaces glutamic acid 111 with glycine.
Molecular consequence: missense variant.
Genome position (GRCh38, 1-based): chr12:21,773,285, T>C on the plus strand (A>G on the coding strand, the complement: KCNJ8 is on the minus strand). VCF-style: chr12-21773285-T-C. GRCh37 (hg19) VCF-style: chr12-21926219-T-C.
Other names: p.Glu111Gly; short protein forms E111G.
Identifiers: ClinVar variation 1400429 (VCV001400429.15), dbSNP rs138391404, ClinGen allele CA6480708.
Genomic context (GRCh38, chr12:21,773,285, plus strand): 5'-ATCCCACTACATTCTTACCTGACATTAGTCACACACACAGTGGACTCCAAACCACTTTTC[T>C]CCATTCCACTTTTCTCCATGTAAGCATAGATGTCCCCATGGGCAAAGGCCACCAGCCACC-3'
Protein context (NP_004973.1, residues 101-121): IYAYMEKSGM[Glu111Gly]KSGLESTVCV

ClinVar aggregate classification (germline): Conflicting classifications of pathogenicity. Review status: criteria provided, conflicting classifications (1 of 4 stars). 6 submissions from 6 submitters: Uncertain significance (3); Benign (1); Likely benign (1). 1 of the submissions does not count toward it. Last evaluated 2025-12-08.

Conditions:
KCNJ8-related disorder. Also called: KCNJ8-related condition.
Brugada syndrome. Also called: Sudden unexpected nocturnal death syndrome; Sudden Unexplained Death Syndrome; Sudden Unexplained Nocturnal Death Syndrome (SUNDS); Sudden unexplained nocturnal death syndrome. Identifiers: Orphanet 130, MedGen C1142166, MONDO:0015263.
Cardiovascular phenotype. Identifiers: MedGen CN230736.
Hypertrichotic osteochondrodysplasia Cantu type. Also called: Cantu Syndrome; Cantú Syndrome. Identifiers: Orphanet 1517, MedGen C0795905, MONDO:0009406, OMIM 239850.

Allele frequency attached by ClinVar (database versions not stated): ExAC 0.00002; gnomAD exomes 0.00004 and 0.00013; TOPMed 0.00016; gnomAD 0.00017 and 0.00018; ESP Exome Variant Server 0.00023.
gnomAD v4.1: 216 of 1,613,874 alleles (0.013%); highest among the groups gnomAD compares: Non-Finnish European, 0.017%; no homozygotes.

Submissions (6):

Labcorp Genetics (formerly Invitae), Labcorp
Classification: Uncertain significance for Brugada syndrome. Last evaluated: 2025-12-08. Review status: criteria provided, single submitter. Criteria: Invitae Variant Classification Sherloc (09022015). Collection method: clinical testing. Allele origin: germline.
Comment: This sequence change replaces glutamic acid, which is acidic and polar, with glycine, which is neutral and non-polar, at codon 111 of the KCNJ8 protein (p.Glu111Gly). This variant is present in population databases (rs138391404, gnomAD 0.01%). This variant has not been reported in the literature in individuals affected with KCNJ8-related conditions. ClinVar contains an entry for this variant (Variation ID: 1400429). Invitae Evidence Modeling of protein sequence and biophysical properties (such as structural, functional, and spatial information, amino acid conservation, physicochemical variation, residue mobility, and thermodynamic stability) indicates that this missense variant is not expected to disrupt KCNJ8 protein function with a negative predictive value of 95%. In summary, the available evidence is currently insufficient to determine the role of this variant in disease. Therefore, it has been classified as a Variant of Uncertain Significance.

Ambry Genetics
Classification: Benign for Cardiovascular phenotype. Last evaluated: 2024-01-18. Review status: criteria provided, single submitter. Criteria: Ambry Variant Classification Scheme 2023. Collection method: clinical testing. Allele origin: germline.

Victorian Clinical Genetics Services, Murdoch Childrens Research Institute
Classification: Likely benign for Hypertrichotic osteochondrodysplasia Cantu type. Last evaluated: 2023-07-16. Review status: criteria provided, single submitter. Criteria: ACMG Guidelines, 2015. Collection method: clinical testing. Allele origin: germline. Inheritance: Autosomal dominant inheritance. Affected: yes.
Comment: Based on the classification scheme VCGS_Germline_v1.3.4, this variant is classified as Likely benign. Following criteria are met: 0101 - Gain of function is the proposed mechanism of disease in this gene and is associated with Cantú syndrome (MIM#239850) (PMID: 24700710). (I) 0107 - This gene is associated with autosomal dominant disease (PMIDs: 24176758, 24700710, 32215968). (I) 0200 - Variant is predicted to result in a missense amino acid change from glutamic acid to glycine. (I) 0251 - This variant is heterozygous. (I) 0308 - Population frequency for this variant is out of keeping with known incidence of Cantú syndrome (MIM#239850) (gnomAD v2: 19 heterozygotes, 0 homozygotes). (SB) 0309 - An alternative amino acid change at the same position has been observed in gnomAD (v2) (p.(Glu111Gln): 2 heterozygotes, 0 homozygotes). (I) 0502 - Missense variant with conflicting in silico predictions and uninformative conservation. (I) 0600 - Variant is located in the annotated inward rectifier potassium channel transmembrane domain (DECIPHER). (I) 0705 - No comparable missense variants have previous evidence for pathogenicity. (I) 0809 - Previous evidence of pathogenicity for this variant is inconclusive. This variant has been classified once as a VUS by one clinical diagnostic laboratory (ClinVar). (I) 0905 - No published segregation evidence has been identified for this variant. (I) 1007 - No published functional evidence has been identified for this variant. (I) 1208 - Inheritance information for this variant is not currently available in this individual. (I) Legend: (SP) - Supporting pathogenic, (I) - Information, (SB) - Supporting benign

Mayo Clinic Laboratories, Mayo Clinic
Classification: Uncertain significance. Last evaluated: 2023-04-27. Review status: criteria provided, single submitter. Criteria: ACMG Guidelines, 2015. Collection method: clinical testing. Allele origin: germline. Observed: 1 variant allele.
Comment: BP4

Center for Genomics, Ann and Robert H. Lurie Children's Hospital of Chicago
Classification: Uncertain significance. Last evaluated: 2021-03-30. Review status: criteria provided, single submitter. Criteria: ACMG Guidelines, 2015. Collection method: clinical testing. Allele origin: germline.
Comment: KCNJ8 NM_004982.3 exon 2 p.Glu111Gly (c.332A>G): This variant has not been reported in the literature and is present in 0.01% (15/126698) of European alleles in the Genome Aggregation Database. Evolutionary conservation is unclear; computational predictive tools suggest that this variant may not impact the protein. In summary, data on this variant is insufficient for disease classification. Therefore, the clinical significance of this variant is uncertain.

PreventionGenetics, part of Exact Sciences
Classification: Uncertain significance for KCNJ8-related condition. Last evaluated: 2024-02-05. Review status: no assertion criteria provided. Collection method: clinical testing. Allele origin: germline. Not counted in ClinVar's aggregate classification.
Comment: The KCNJ8 c.332A>G variant is predicted to result in the amino acid substitution p.Glu111Gly. To our knowledge, this variant has not been reported in the literature. This variant is reported in 0.012% of alleles in individuals of European (Non-Finnish) descent in gnomAD. At this time, the clinical significance of this variant is uncertain due to the absence of conclusive functional and genetic evidence.

Literature cited by the submitters: PubMed 24176758 (cited by Victorian Clinical Genetics Services, Murdoch Childrens Research Institute); PubMed 24700710 (cited by Victorian Clinical Genetics Services, Murdoch Childrens Research Institute); PubMed 32215968 (cited by Victorian Clinical Genetics Services, Murdoch Childrens Research Institute).